The following is an entry in ClinVar:

NM_000548.5(TSC2):c.97G>C (p.Gly33Arg)

Gene: TSC2 (TSC complex subunit 2; plus strand). Cytogenetic location: 16p13.3.
Variant type: single nucleotide variant.
Coding change: c.97G>C on transcript NM_000548.5 (MANE Select); coding-DNA position 97, G replaced by C.
Protein change: p.Gly33Arg; replaces glycine 33 with arginine.
Molecular consequence: missense variant. On other transcripts: 5 prime UTR variant (19), non-coding transcript variant (5), intron variant (6).
Genome position (GRCh38, 1-based): chr16:2,048,712, G>C. VCF-style: chr16-2048712-G-C. GRCh37 (hg19) VCF-style: chr16-2098713-G-C.
Other names: c.-720G>C (NM_001406680.1, NM_001406683.1, NM_001406687.1); c.-349G>C (NM_001406681.1); c.-130G>C (NM_001406682.1, NM_001406684.1, NM_001406685.1 and 2 more transcripts); c.97G>C, p.Gly33Arg (NM_001406667.1, NM_001406668.1, NM_001406670.1 and 13 more transcripts); c.-1335G>C (NM_001406689.1, NM_001406690.1, NM_001406691.1 and 2 more transcripts); c.-1641G>C (NM_001406693.1); c.-1216G>C (NM_001406694.1, NM_001406695.1); c.-1323G>C (NM_001406696.1); and 4 more; short protein forms G33R, G44R.
Identifiers: ClinVar variation 4802827 (VCV004802827.1).
Genomic context (GRCh38, chr16:2,048,712, plus strand): 5'-GAGAAGTTTAAGATTCTGTTGGGACTGGGAACACCGAGGCCAAATCCCAGGTCTGCAGAG[G>C]GTAAACAGACGGAGTTTATCATCACCGCGGAAATACTGAGAGTGAGTGAGCTACCTGTGT-3'
Protein context (NP_000539.2, residues 23-43): TPRPNPRSAE[Gly33Arg]KQTEFIITAE

ClinVar aggregate classification (germline): Uncertain significance (1 of 4 stars; one submission).

Conditions:
Tuberous sclerosis 2 (TSC2). Identifiers: Orphanet 805, MedGen C1860707, MONDO:0013199, OMIM 613254.

Submission:

Labcorp Genetics (formerly Invitae), Labcorp
Classification: Uncertain significance for Tuberous sclerosis 2. Last evaluated: 2025-12-03. Review status: criteria provided, single submitter. Criteria: Invitae Variant Classification Sherloc (09022015). Collection method: clinical testing. Allele origin: germline.
Comment: This sequence change replaces glycine, which is neutral and non-polar, with arginine, which is basic and polar, at codon 33 of the TSC2 protein (p.Gly33Arg). This variant is not present in population databases (gnomAD no frequency). This variant has not been reported in the literature in individuals affected with TSC2-related conditions. Invitae Evidence Modeling of protein sequence and biophysical properties (such as structural, functional, and spatial information, amino acid conservation, physicochemical variation, residue mobility, and thermodynamic stability) indicates that this missense variant is not expected to disrupt TSC2 protein function with a negative predictive value of 95%. In summary, the available evidence is currently insufficient to determine the role of this variant in disease. Therefore, it has been classified as a Variant of Uncertain Significance.